The following is an entry in ClinVar:

NM_001330588.2(TPP2):c.780T>C (p.Ser260=)

Gene: TPP2 (tripeptidyl peptidase 2; plus strand). Cytogenetic location: 13q33.1.
Variant type: single nucleotide variant.
Coding change: c.780T>C on transcript NM_001330588.2 (MANE Select); coding-DNA position 780, T replaced by C.
Protein change: p.Ser260=; no amino-acid change (serine 260 retained).
Molecular consequence: synonymous variant. On other transcripts: non-coding transcript variant (1).
Genome position (GRCh38, 1-based): chr13:102,623,036, T>C. VCF-style: chr13-102623036-T-C. GRCh37 (hg19) VCF-style: chr13-103275386-T-C.
Other names: p.Ser260=; c.780T>C, p.Ser260= (NM_001367947.1, NM_003291.4).
Identifiers: ClinVar variation 1170502 (VCV001170502.14), dbSNP rs2230854, ClinGen allele CA7037590.

ClinVar aggregate classification (germline): Benign. Review status: criteria provided, multiple submitters, no conflicts (2 of 4 stars). 4 submissions from 4 submitters: Benign (4). Last evaluated 2026-02-04.

Conditions:
Evans syndrome, immunodeficiency, and premature immunosenescence associated with tripeptidyl-peptidase II deficiency. Identifiers: MedGen CN231723. Disease mechanism: loss of function.

Allele frequency attached by ClinVar (database versions not stated): 1000 Genomes Project 30x 0.47470; gnomAD exomes 0.44824 and 0.47241; ExAC 0.45129; 1000 Genomes Project 0.47364; TOPMed 0.49739; gnomAD 0.50210 and 0.49689; ESP Exome Variant Server 0.52353.

Submissions (4):

Labcorp Genetics (formerly Invitae), Labcorp
Classification: Benign for Evans syndrome, immunodeficiency, and premature immunosenescence associated with tripeptidyl-peptidase II deficiency. Last evaluated: 2026-02-04. Review status: criteria provided, single submitter. Criteria: Invitae Variant Classification Sherloc (09022015). Collection method: clinical testing. Allele origin: germline.

Unidad de Genómica Garrahan, Hospital de Pediatría Garrahan
Classification: Benign. Last evaluated: 2023-11-12. Review status: criteria provided, single submitter. Criteria: ACMG Guidelines, 2015. Collection method: clinical testing. Allele origin: germline. Affected: no. Observed: 54 variant alleles.
Comment: This variant is classified as Benign based on local population frequency. This variant was detected in 56% of patients studied by a panel of primary immunodeficiencies. Number of patients: 54. Only high quality variants are reported.

Mayo Clinic Laboratories, Mayo Clinic
Classification: Benign. Last evaluated: 2022-09-06. Review status: criteria provided, single submitter. Criteria: ACMG Guidelines, 2015. Collection method: clinical testing. Allele origin: germline. Observed: 477 variant alleles.

Breakthrough Genomics
Classification: Benign. Review status: criteria provided, single submitter. Criteria: ACMG Guidelines, 2015. Collection method: not provided. Allele origin: germline. Inheritance: Autosomal recessive inheritance. Affected: yes.